The following is an entry in ClinVar:

NM_024757.5(EHMT1):c.323A>G (p.His108Arg)

Gene: EHMT1 (euchromatic histone lysine methyltransferase 1; plus strand). Cytogenetic location: 9q34.3.
Variant type: single nucleotide variant.
Coding change: c.323A>G on transcript NM_024757.5 (MANE Select); coding-DNA position 323, A replaced by G.
Protein change: p.His108Arg; replaces histidine 108 with arginine.
Molecular consequence: missense variant.
Genome position (GRCh38, 1-based): chr9:137,716,863, A>G. VCF-style: chr9-137716863-A-G. GRCh37 (hg19) VCF-style: chr9-140611315-A-G.
Other names: c.323A>G, p.His108Arg (NM_001145527.2, NM_001354263.2, NM_001354611.2); c.230A>G, p.His77Arg (NM_001354259.2, NM_001354612.2); short protein forms H77R, H108R.
Identifiers: ClinVar variation 2855744 (VCV002855744.3), dbSNP rs2541032581, ClinGen allele CA375764409.

ClinVar aggregate classification (germline): Uncertain significance (1 of 4 stars; one submission).

Conditions:
Kleefstra syndrome 1 (KLEFS1). Identifiers: Orphanet 261494, MedGen C0795833, MONDO:0027407, OMIM 610253.

Submission:

Labcorp Genetics (formerly Invitae), Labcorp
Classification: Uncertain significance for Kleefstra syndrome 1. Last evaluated: 2024-10-28. Review status: criteria provided, single submitter. Criteria: Invitae Variant Classification Sherloc (09022015). Collection method: clinical testing. Allele origin: germline.
Comment: This sequence change replaces histidine, which is basic and polar, with arginine, which is basic and polar, at codon 108 of the EHMT1 protein (p.His108Arg). This variant is not present in population databases (gnomAD no frequency). This variant has not been reported in the literature in individuals affected with EHMT1-related conditions. An algorithm developed to predict the effect of missense changes on protein structure and function (PolyPhen-2) suggests that this variant is likely to be tolerated. In summary, the available evidence is currently insufficient to determine the role of this variant in disease. Therefore, it has been classified as a Variant of Uncertain Significance.